The following is an entry in ClinVar:

NM_000789.4(ACE):c.3629C>T (p.Thr1210Met)

Gene: ACE (angiotensin I converting enzyme; plus strand). Cytogenetic location: 17q23.3.
Variant type: single nucleotide variant.
Coding change: c.3629C>T on transcript NM_000789.4 (MANE Select); coding-DNA position 3629, C replaced by T.
Protein change: p.Thr1210Met; replaces threonine 1210 with methionine.
Molecular consequence: missense variant.
Genome position (GRCh38, 1-based): chr17:63,496,923, C>T. VCF-style: chr17-63496923-C-T. GRCh37 (hg19) VCF-style: chr17-61574284-C-T.
Other names: c.1784C>T, p.Thr595Met (NM_001178057.2); c.1907C>T, p.Thr636Met (NM_152830.3); short protein forms T595M, T1210M, T636M.
Identifiers: ClinVar variation 728916 (VCV000728916.10), dbSNP rs12720742, ClinGen allele CA8700569.

ClinVar aggregate classification (germline): Likely benign. Review status: criteria provided, multiple submitters, no conflicts (2 of 4 stars). 2 submissions from 2 submitters: Likely benign (2). Last evaluated 2026-04-17.

Conditions:
ACE-related disorder. Also called: ACE-related condition; ACE-related disorders.

Allele frequency attached by ClinVar (database versions not stated): ESP Exome Variant Server 0.00092; gnomAD 0.00098 and 0.00105; TOPMed 0.00124; 1000 Genomes Project 30x 0.00156; 1000 Genomes Project 0.00180.
gnomAD v4.1: 400 of 1,613,506 alleles (0.025%); highest among the groups gnomAD compares: African/African-American, 0.32%; no homozygotes.

Submissions (2):

PreventionGenetics, part of Exact Sciences
Classification: Likely benign for ACE-related condition. Last evaluated: 2026-04-17. Review status: criteria provided, single submitter. Criteria: ACMG Guidelines, 2015. Collection method: clinical testing. Allele origin: germline.
Comment: This variant is classified as likely benign based on ACMG/AMP sequence variant interpretation guidelines (Richards et al. 2015 PMID: 25741868, with internal and published modifications).

Labcorp Genetics (formerly Invitae), Labcorp
Classification: Likely benign. Last evaluated: 2025-12-25. Review status: criteria provided, single submitter. Criteria: Invitae Variant Classification Sherloc (09022015). Collection method: clinical testing. Allele origin: germline.